The following is an entry in ClinVar:

ClinVar aggregate classification (germline): Uncertain significance. Review status: criteria provided, multiple submitters, no conflicts (2 of 4 stars). 2 submissions from 2 submitters: Uncertain significance (2). Last evaluated 2022-07-25.

Conditions:
Joubert syndrome 21 (JBTS21). Identifiers: MedGen C3810212, MONDO:0014288, OMIM 615636.

Submissions (2):

Labcorp Genetics (formerly Invitae), Labcorp
Classification: Uncertain significance for Joubert syndrome 21. Last evaluated: 2022-07-25. Review status: criteria provided, single submitter. Criteria: Invitae Variant Classification Sherloc (09022015). Collection method: clinical testing. Allele origin: germline.
Comment: In summary, the available evidence is currently insufficient to determine the role of this variant in disease. Therefore, it has been classified as a Variant of Uncertain Significance. Algorithms developed to predict the effect of missense changes on protein structure and function are either unavailable or do not agree on the potential impact of this missense change (SIFT: "Deleterious"; PolyPhen-2: "Probably Damaging"; Align-GVGD: "Class C0"). This variant has not been reported in the literature in individuals affected with CSPP1-related conditions. This variant is not present in population databases (gnomAD no frequency). This sequence change replaces phenylalanine, which is neutral and non-polar, with isoleucine, which is neutral and non-polar, at codon 521 of the CSPP1 protein (p.Phe521Ile).

GeneDx
Classification: Uncertain significance. Last evaluated: 2022-01-10. Review status: criteria provided, single submitter. Criteria: GeneDx Variant Classification Process June 2021. Collection method: clinical testing. Allele origin: germline. Affected: yes.
Comment: Not observed at significant frequency in large population cohorts (gnomAD); In silico analysis supports that this missense variant has a deleterious effect on protein structure/function; Has not been previously published as pathogenic or benign to our knowledge

NM_001382391.1(CSPP1):c.1576T>A (p.Phe526Ile)

Gene: CSPP1 (centrosome and spindle pole associated protein 1; plus strand). Cytogenetic location: 8q13.2.
Variant type: single nucleotide variant.
Coding change: c.1576T>A on transcript NM_001382391.1 (MANE Select); coding-DNA position 1576, T replaced by A.
Protein change: p.Phe526Ile; replaces phenylalanine 526 with isoleucine.
Molecular consequence: missense variant.
Genome position (GRCh38, 1-based): chr8:67,118,327, T>A. VCF-style: chr8-67118327-T-A. GRCh37 (hg19) VCF-style: chr8-68030562-T-A.
Other names: c.1462T>A, p.Phe488Ile (NM_001364870.1); c.1561T>A, p.Phe521Ile (NM_024790.7); c.679T>A, p.Phe227Ile (NM_001291339.2); c.1495T>A, p.Phe499Ile (NM_001363131.2); c.1534T>A, p.Phe512Ile (NM_001363132.2); c.1453T>A, p.Phe485Ile (NM_001363133.2); c.1642T>A, p.Phe548Ile (NM_001364869.1); short protein forms F227I, F485I, F488I, F499I, F512I, F521I, F526I, F548I.
Identifiers: ClinVar variation 1695828 (VCV001695828.7), dbSNP rs2129551363, ClinGen allele CA371200704.